The following is an entry in ClinVar:

NM_003919.3(SGCE):c.1061C>T (p.Pro354Leu)

Genes: CASD1 (CAS1 domain sialic acid O acetyltransferase 1; plus strand), SGCE (sarcoglycan epsilon; minus strand). Cytogenetic location: 7q21.3.
Variant type: single nucleotide variant.
Coding change: c.1061C>T on transcript NM_003919.3 (MANE Select); coding-DNA position 1061, C replaced by T.
Protein change: p.Pro354Leu; replaces proline 354 with leucine.
Molecular consequence: missense variant. On other transcripts: intron variant (6).
Genome position (GRCh38, 1-based): chr7:94,599,700, G>A on the plus strand (C>T on the coding strand, the complement: SGCE is on the minus strand). VCF-style: chr7-94599700-G-A. GRCh37 (hg19) VCF-style: chr7-94229012-G-A.
Other names: c.1061C>T, p.Pro354Leu (NM_001099401.2); c.938C>T, p.Pro313Leu (NM_001301139.2); c.1169C>T, p.Pro390Leu (NM_001346713.2); c.974C>T, p.Pro325Leu (NM_001346719.2); c.788C>T, p.Pro263Leu (NM_001346720.2); c.1038-737C>T (NM_001346717.2, NM_001099400.2); c.1146-737C>T (NM_001346715.2); c.951-737C>T (NM_001362807.2); and 2 more; short protein forms P263L, P313L, P325L, P354L, P390L.
Identifiers: ClinVar variation 5041400 (VCV005041400.1).
Genomic context (GRCh38, chr7:94,599,700, plus strand): 5'-GGCAACTGAGAGGTGGGAAAAAATGATGAAGAAAATAACAGGAAAGAAGACACTTACTCT[G>A]GTGTTTGCATGTTTCTCTTTTCCCTAGAAACAAAACAAAATTTATGAATTAAATAATAGC-3'
Protein context (NP_003910.1, residues 344-364): EGVEKRNMQT[Pro354Leu]DIQLVHHSAI

ClinVar aggregate classification (germline): Uncertain significance (1 of 4 stars; one submission).

gnomAD v4.1: 6 of 1,609,454 alleles (0.00037%); highest among the groups gnomAD compares: Non-Finnish European, 0.00034%; no homozygotes.

Submission:

CeGaT Center for Human Genetics Tuebingen
Classification: Uncertain significance. Last evaluated: 2026-09-01. Review status: criteria provided, single submitter. Criteria: CeGaT Center For Human Genetics Tuebingen Variant Classification Criteria Version 2. Collection method: clinical testing. Allele origin: germline. Affected: yes. Observed: 1 variant allele.
Comment: SGCE: PP3